The following is an entry in ClinVar:

NM_020546.3(ADCY2):c.1956+4G>A

Gene: ADCY2 (adenylate cyclase 2; plus strand). Cytogenetic location: 5p15.31.
Variant type: single nucleotide variant.
Coding change: c.1956+4G>A on transcript NM_020546.3 (MANE Select); 4 bases into the intron after coding-DNA position 1956, G replaced by A.
Molecular consequence: intron variant.
Genome position (GRCh38, 1-based): chr5:7,743,756, G>A. VCF-style: chr5-7743756-G-A. GRCh37 (hg19) VCF-style: chr5-7743869-G-A.
Identifiers: ClinVar variation 4083633 (VCV004083633.8).

ClinVar aggregate classification (germline): Likely benign (1 of 4 stars; one submission).

gnomAD v4.1: 9,596 of 1,613,148 alleles (0.59%); highest among the groups gnomAD compares: Non-Finnish European, 0.74%; 37 homozygotes.

Submission:

CeGaT Center for Human Genetics Tuebingen
Classification: Likely benign. Last evaluated: 2025-08-01. Review status: criteria provided, single submitter. Criteria: CeGaT Center For Human Genetics Tuebingen Variant Classification Criteria Version 2. Collection method: clinical testing. Allele origin: germline. Affected: yes. Observed: 1 variant allele.
Comment: ADCY2: BP4, BS2